The following is an entry in ClinVar:

ClinVar aggregate classification (germline): Likely benign. Review status: criteria provided, multiple submitters, no conflicts (2 of 4 stars). 3 submissions from 3 submitters: Likely benign (2). 1 of the submissions does not count toward it. Last evaluated 2026-01-29.

Conditions:
LAMA2-related disorder. Also called: LAMA2-related disorders; LAMA2-related condition.
LAMA2-related muscular dystrophy (LAMA2-RD). Also called: Laminin alpha 2-related dystrophy. Identifiers: MedGen C5679788, MONDO:0100228.

Allele frequency attached by ClinVar (database versions not stated): gnomAD exomes 0.00001.
gnomAD v4.1: 8 of 1,613,190 alleles (0.0005%); highest among the groups gnomAD compares: Non-Finnish European, 0.00068%; no homozygotes.

Submissions (3):

Labcorp Genetics (formerly Invitae), Labcorp
Classification: Likely benign for LAMA2-related muscular dystrophy. Last evaluated: 2026-01-29. Review status: criteria provided, single submitter. Criteria: Invitae Variant Classification Sherloc (09022015). Collection method: clinical testing. Allele origin: germline.

Blueprint Genetics
Classification: Likely benign. Last evaluated: 2023-10-06. Review status: criteria provided, single submitter. Criteria: ACMG Guidelines, 2015. Collection method: clinical testing. Allele origin: germline.

PreventionGenetics, part of Exact Sciences
Classification: Likely benign for LAMA2-related condition. Last evaluated: 2019-08-26. Review status: no assertion criteria provided. Collection method: clinical testing. Allele origin: germline. Not counted in ClinVar's aggregate classification.
Comment: This variant is classified as likely benign based on ACMG/AMP sequence variant interpretation guidelines (Richards et al. 2015 PMID: 25741868, with internal and published modifications).

NM_000426.4(LAMA2):c.6531T>A (p.Ala2177=)

Gene: LAMA2 (laminin subunit alpha 2; plus strand). Cytogenetic location: 6q22.33.
Variant type: single nucleotide variant.
Coding change: c.6531T>A on transcript NM_000426.4 (MANE Select); coding-DNA position 6531, T replaced by A.
Protein change: p.Ala2177=; no amino-acid change (alanine 2177 retained).
Molecular consequence: synonymous variant.
Genome position (GRCh38, 1-based): chr6:129,453,089, T>A. VCF-style: chr6-129453089-T-A. GRCh37 (hg19) VCF-style: chr6-129774234-T-A.
Other names: c.6531T>A, p.Ala2177= (NM_001079823.2); c.6531T>A (NM_000426.3).
Identifiers: ClinVar variation 1147228 (VCV001147228.12), dbSNP rs1244983337, ClinGen allele CA451923301.